The following is an entry in ClinVar:

GRCh37/hg19 8p23.1(chr8:8093065-11881742)x3

Genes: NEIL2 (nei like DNA glycosylase 2), PINX1 (PIN2 (TERF1) interacting telomerase inhibitor 1), PPP1R3B (protein phosphatase 1 regulatory subunit 3B), PRSS51 (serine protease 51), PRSS55 (serine protease 55) and 20 more. Cytogenetic location: 8p23.1.
Variant type: copy number gain.
Change: copy number 3 (three copies instead of two) of chr8:8,093,065-11,881,742 (3.79 Mb, GRCh37 coordinates, 1-based), cytogenetic band 8p23.1.
Identifiers: ClinVar variation 815085 (VCV000815085.3).

ClinVar aggregate classification (germline): Pathogenic (1 of 4 stars; one submission).

Submission:

Quest Diagnostics Nichols Institute San Juan Capistrano
Classification: Pathogenic. Last evaluated: 2022-11-07. Review status: criteria provided, single submitter. Criteria: ACMG/ClinGen CNV Guidelines, 2019. Collection method: clinical testing. Allele origin: unknown.
Comment: The copy number gain of 8p23.3p23.1 involves several coding genes across multiple chromosomal bands and fully overlaps the region of chromosome 8p23.1 duplication syndrome (Barber et al. Am J Med Genet A. 2015 Sep;167A(9):2052-64. PMID: 26097203). The critical region proposed for the 8p23.1 duplication syndrome includes SOX7 (OMIM 612202), GATA4 (OMIM 600576), and TNKS (OMIM 603303), all of which are encompassed in this gain interval. Therefore, based on gene content and current medical literature, this copy number variant (CNV) is classified as pathogenic with variable expressivity.